The following is an entry in ClinVar:

ClinVar aggregate classification (germline): Uncertain significance (1 of 4 stars; one submission).

Allele frequency attached by ClinVar (database versions not stated): gnomAD exomes below 0.00001.

Submission:

GeneDx
Classification: Uncertain significance. Last evaluated: 2017-10-03. Review status: criteria provided, single submitter. Criteria: GeneDx Variant Classification (06012015). Collection method: clinical testing. Allele origin: germline. Affected: yes.
Comment: The G886V variant in the RAI1 gene has not been reported previously as a pathogenic variant, nor as a benign variant, to our knowledge. The G886V variant is not observed in large population cohorts (Lek et al., 2016). The G886V variant is a conservative amino acid substitution, which is not likely to impact secondary protein structure as these residues share similar properties. This substitution occurs at a position that is not conserved, and in silico analysis predicts this variant likely does not alter the protein structure/function. We interpret G886V as a variant of uncertain significance.

NM_030665.4(RAI1):c.2657G>T (p.Gly886Val)

Gene: RAI1 (retinoic acid induced 1; plus strand). Cytogenetic location: 17p11.2.
Variant type: single nucleotide variant.
Coding change: c.2657G>T on transcript NM_030665.4 (MANE Select); coding-DNA position 2657, G replaced by T.
Protein change: p.Gly886Val; replaces glycine 886 with valine.
Molecular consequence: missense variant.
Genome position (GRCh38, 1-based): chr17:17,795,605, G>T. VCF-style: chr17-17795605-G-T. GRCh37 (hg19) VCF-style: chr17-17698919-G-T.
Other names: short protein forms G886V.
Identifiers: ClinVar variation 452506 (VCV000452506.2), dbSNP rs1555565546, ClinGen allele CA398551722.